The following is an entry in ClinVar:

NM_000059.4(BRCA2):c.7731del (p.Gly2578fs)

Gene: BRCA2 (BRCA2 DNA repair associated; plus strand). Cytogenetic location: 13q13.1.
Variant type: Deletion.
Coding change: c.7731del on transcript NM_000059.4 (MANE Select); coding-DNA position 7731, one base deleted (A; older notation c.7731delA).
Protein change: p.Gly2578fs; shifts the reading frame from glycine 2578.
Molecular consequence: frameshift variant.
Genome position (GRCh38, 1-based): chr13:32,357,855, A deleted; the last of 4 consecutive A bases (chr13:32,357,852-32,357,855); deleting any one gives the same sequence. VCF-style (leftmost placement, unchanged base first): chr13-32357851-GA-G. GRCh37 (hg19) VCF-style: chr13-32931988-GA-G.
Other names: c.7731delA (NM_000059.3); short protein forms G2578fs.
Identifiers: ClinVar variation 938323 (VCV000938323.13), dbSNP rs2072710066, ClinGen allele CA1139663203.

ClinVar aggregate classification (germline): Pathogenic. Review status: criteria provided, multiple submitters, no conflicts (2 of 4 stars). 3 submissions from 3 submitters: Pathogenic (3). Last evaluated 2022-07-19.

Conditions:
Hereditary breast ovarian cancer syndrome. Also called: BRCA1- and BRCA2-Associated Hereditary Breast and Ovarian Cancer; Hereditary breast and/or ovarian cancer syndrome; Hereditary breast and ovarian cancer syndrome; Hereditary breast and ovarian cancer; Breast and ovarian cancer; Hereditary breast and ovarian cancer syndrome (HBOC). Identifiers: Orphanet 145, MedGen C0677776, MeSH D061325, MONDO:0003582. Disease mechanism: loss of function.
Hereditary cancer-predisposing syndrome. Also called: Tumor predisposition; Hereditary neoplastic syndrome; Hereditary Cancer Syndrome; Neoplastic Syndromes, Hereditary. Identifiers: Orphanet 140162, MedGen C0027672, MeSH D009386, MONDO:0015356.

Submissions (3):

Labcorp Genetics (formerly Invitae), Labcorp
Classification: Pathogenic for Hereditary breast ovarian cancer syndrome. Last evaluated: 2022-07-19. Review status: criteria provided, single submitter. Criteria: Invitae Variant Classification Sherloc (09022015). Collection method: clinical testing. Allele origin: germline.
Comment: This variant has not been reported in the literature in individuals affected with BRCA2-related conditions. This variant is not present in population databases (gnomAD no frequency). This sequence change creates a premature translational stop signal (p.Gly2578Glufs*70) in the BRCA2 gene. It is expected to result in an absent or disrupted protein product. Loss-of-function variants in BRCA2 are known to be pathogenic (PMID: 20104584). ClinVar contains an entry for this variant (Variation ID: 938323). For these reasons, this variant has been classified as Pathogenic.

Institute for Clinical Genetics, University Hospital TU Dresden, University Hospital TU Dresden
Classification: Pathogenic. Last evaluated: 2021-11-03. Review status: criteria provided, single submitter. Criteria: ACMG Guidelines, 2015. Collection method: clinical testing. Allele origin: germline.

Ambry Genetics
Classification: Pathogenic for Hereditary cancer-predisposing syndrome. Last evaluated: 2021-03-15. Review status: criteria provided, single submitter. Criteria: Ambry Variant Classification Scheme 2023. Collection method: clinical testing. Allele origin: germline.
Comment: The c.7731delA pathogenic mutation, located in coding exon 15 of the BRCA2 gene, results from a deletion of one nucleotide at nucleotide position 7731, causing a translational frameshift with a predicted alternate stop codon (p.G2578Efs*70). This alteration is expected to result in loss of function by premature protein truncation or nonsense-mediated mRNA decay. As such, this alteration is interpreted as a disease-causing mutation.

Literature cited by the submitters: PubMed 20104584 (cited by Labcorp Genetics (formerly Invitae), Labcorp).